The following is an entry in ClinVar:

ClinVar aggregate classification (germline): Uncertain significance (1 of 4 stars; one submission).

Allele frequency attached by ClinVar (database versions not stated): TOPMed below 0.00001.

Submission:

Ambry Genetics
Classification: Uncertain significance. Last evaluated: 2022-01-26. Review status: criteria provided, single submitter. Criteria: Ambry Variant Classification Scheme 2023. Collection method: clinical testing. Allele origin: germline.
Comment: The p.R593T variant (also known as c.1778G>C), located in coding exon 1 of the MLH3 gene, results from a G to C substitution at nucleotide position 1778. The arginine at codon 593 is replaced by threonine, an amino acid with similar properties. This amino acid position is conserved. In addition, this alteration is predicted to be tolerated by in silico analysis. Since supporting evidence is limited at this time, the clinical significance of this alteration remains unclear.

NM_001040108.2(MLH3):c.1778G>C (p.Arg593Thr)

Gene: MLH3 (mutL homolog 3; minus strand). Cytogenetic location: 14q24.3.
Variant type: single nucleotide variant.
Coding change: c.1778G>C on transcript NM_001040108.2 (MANE Select); coding-DNA position 1778, G replaced by C.
Protein change: p.Arg593Thr; replaces arginine 593 with threonine.
Molecular consequence: missense variant.
Genome position (GRCh38, 1-based): chr14:75,047,878, C>G on the plus strand (G>C on the coding strand, the complement: MLH3 is on the minus strand). VCF-style: chr14-75047878-C-G. GRCh37 (hg19) VCF-style: chr14-75514581-C-G.
Other names: c.1778G>C, p.Arg593Thr (NM_014381.3); short protein forms R593T.
Identifiers: ClinVar variation 1779912 (VCV001779912.2), dbSNP rs1892366400, ClinGen allele CA390444333.
Genomic context (GRCh38, chr14:75,047,878, plus strand): 5'-ACTACATGAGTTATAAAGCCAGTGGAACATAATTTAACTCGCCCATAACTAAAAACATTT[C>G]TTCTTCCACAATTGCTAGATTCTTTTTTTTTCTCTTTCTCTGTCTGAGCACTATGTACTC-3'
Protein context (NP_001035197.1, residues 583-603): KKKESSNCGR[Arg593Thr]NVFSYGRVKL